The following is an entry in ClinVar:

ClinVar aggregate classification (germline): Uncertain significance (1 of 4 stars; one submission).

Allele frequency attached by ClinVar (database versions not stated): gnomAD exomes 0.00003 and 0.00004; ExAC 0.00005; gnomAD 0.00031; 1000 Genomes Project 30x 0.00062; 1000 Genomes Project 0.00079; TOPMed 0.00084.
gnomAD v4.1: 74 of 1,198,938 alleles (0.0062%); highest among the groups gnomAD compares: Admixed American, 0.12%; no homozygotes.

Submission:

Women's Health and Genetics/Laboratory Corporation of America, LabCorp
Classification: Uncertain significance. Last evaluated: 2020-04-24. Review status: criteria provided, single submitter. Criteria: LabCorp Variant Classification Summary - May 2015. Collection method: clinical testing. Allele origin: germline.
Comment: Variant summary: BCORL1 c.3604G>A (p.Glu1202Lys) results in a conservative amino acid change in the encoded protein sequence. Three of five in-silico tools predict a benign effect of the variant on protein function. The variant allele was found at a frequency of 3.7e-05 in 164266 control chromosomes (gnomAD). The available data on variant occurrences in the general population are insufficient to allow any conclusion about variant significance. c.3604G>A has been reported in the literature in individuals affected with Wilms tumor and CBF (Core Binding Factor) Leukemia (Gadd_2017, KathrinEisfeld_2017). These reports however, do not provide unequivocal conclusions about association of the variant with Shukla-Vernon Syndrome. To our knowledge, no experimental evidence demonstrating an impact on protein function has been reported. No clinical diagnostic laboratories have submitted clinical-significance assessments for this variant to ClinVar after 2014. Based on the evidence outlined above, the variant was classified as uncertain significance.

Literature cited by the submitters: PubMed 24047651; PubMed 26879601; PubMed 26132940; PubMed 25596268; PubMed 26980726; PubMed 29692343; PubMed 28825729; PubMed 27843138.

NM_001379451.1(BCORL1):c.3604G>A (p.Glu1202Lys)

Gene: BCORL1 (BCL6 corepressor like 1; plus strand). Cytogenetic location: Xq26.1.
Variant type: single nucleotide variant.
Coding change: c.3604G>A on transcript NM_001379451.1 (MANE Select); coding-DNA position 3604, G replaced by A.
Protein change: p.Glu1202Lys; replaces glutamic acid 1202 with lysine.
Molecular consequence: missense variant.
Genome position (GRCh38, 1-based): chrX:130,021,147, G>A. VCF-style: chrX-130021147-G-A. GRCh37 (hg19) VCF-style: chrX-129155122-G-A.
Other names: c.3604G>A, p.Glu1202Lys (NM_001184772.3, NM_001379450.1, NM_021946.5); short protein forms E1202K.
Identifiers: ClinVar variation 917793 (VCV000917793.1), dbSNP rs767569401, ClinGen allele CA10514545.